The following is an entry in ClinVar:

ClinVar aggregate classification (germline): Uncertain significance (1 of 4 stars; one submission).

Conditions:
Naxos disease (NXD). Also called: PALMOPLANTAR KERATODERMA WITH ARRHYTHMOGENIC RIGHT VENTRICULAR CARDIOMYOPATHY AND WOOLLY HAIR; WOOLLY HAIR, PALMOPLANTAR KERATODERMA, AND CARDIAC ABNORMALITIES; KERATOSIS PALMOPLANTARIS WITH ARRHYTHMOGENIC CARDIOMYOPATHY; MAL DE NAXOS; CARDIOMYOPATHY, ARRHYTHMOGENIC RIGHT VENTRICULAR, WITH SKIN, HAIR, AND NAIL ABNORMALITIES. Identifiers: Orphanet 34217, MedGen C1832600, MONDO:0011017, OMIM 601214.
Arrhythmogenic right ventricular dysplasia 12. Also called: ARRHYTHMOGENIC RIGHT VENTRICULAR DYSPLASIA, FAMILIAL, 12. Identifiers: MedGen C1969081, MONDO:0012684, OMIM 611528.

Allele frequency attached by ClinVar (database versions not stated): TOPMed below 0.00001.

Submission:

Labcorp Genetics (formerly Invitae), Labcorp
Classification: Uncertain significance for Arrhythmogenic right ventricular dysplasia 12; Naxos disease. Last evaluated: 2023-11-11. Review status: criteria provided, single submitter. Criteria: Invitae Variant Classification Sherloc (09022015). Collection method: clinical testing. Allele origin: germline.
Comment: This sequence change replaces aspartic acid, which is acidic and polar, with asparagine, which is neutral and polar, at codon 447 of the JUP protein (p.Asp447Asn). This variant is not present in population databases (gnomAD no frequency). This variant has not been reported in the literature in individuals affected with JUP-related conditions. ClinVar contains an entry for this variant (Variation ID: 1488781). An algorithm developed to predict the effect of missense changes on protein structure and function (PolyPhen-2) suggests that this variant is likely to be tolerated. In summary, the available evidence is currently insufficient to determine the role of this variant in disease. Therefore, it has been classified as a Variant of Uncertain Significance.

NM_002230.4(JUP):c.1339G>A (p.Asp447Asn)

Gene: JUP (junction plakoglobin; minus strand). Cytogenetic location: 17q21.2.
Variant type: single nucleotide variant.
Coding change: c.1339G>A on transcript NM_002230.4 (MANE Select); coding-DNA position 1339, G replaced by A.
Protein change: p.Asp447Asn; replaces aspartic acid 447 with asparagine.
Molecular consequence: missense variant.
Genome position (GRCh38, 1-based): chr17:41,763,141, C>T on the plus strand (G>A on the coding strand, the complement: JUP is on the minus strand). VCF-style: chr17-41763141-C-T. GRCh37 (hg19) VCF-style: chr17-39919393-C-T.
Other names: c.1339G>A, p.Asp447Asn (NM_001352773.2, NM_001352774.2, NM_001352775.2 and 3 more transcripts); short protein forms D447N.
Identifiers: ClinVar variation 1488781 (VCV001488781.8), dbSNP rs1915164389, ClinGen allele CA399496993.